The following is an entry in ClinVar:

NM_001429.4(EP300):c.7008_7010del (p.Pro2337del)

Gene: EP300 (E1A binding protein p300; plus strand). Cytogenetic location: 22q13.2.
Variant type: Deletion.
Coding change: c.7008_7010del on transcript NM_001429.4 (MANE Select); coding-DNA positions 7008 to 7010, 3 bases deleted (TCC; older notation c.7008_7010delTCC).
Protein change: p.Pro2337del; deletes proline 2337.
Molecular consequence: inframe deletion.
Genome position (GRCh38, 1-based): chr22:41,178,719-41,178,721, TCC deleted; deleting any 3 consecutive bases within chr22:41,178,718-41,178,721 gives the same sequence; the c. name uses the placement nearest the transcript's 3' end. VCF-style (leftmost placement, unchanged base first): chr22-41178717-TCTC-T. GRCh37 (hg19) VCF-style: chr22-41574721-TCTC-T.
Other names: c.6930_6932del, p.Pro2311del (NM_001362843.2); short protein forms P2311del, P2337del.
Identifiers: ClinVar variation 1305263 (VCV001305263.2), dbSNP rs1413664360, ClinGen allele CA753245892.

ClinVar aggregate classification (germline): Uncertain significance (1 of 4 stars; one submission).

Submission:

GeneDx
Classification: Uncertain significance. Last evaluated: 2019-04-23. Review status: criteria provided, single submitter. Criteria: GeneDx Variant Classification Process June 2021. Collection method: clinical testing. Allele origin: germline. Affected: yes.
Comment: Has not been previously published as pathogenic or benign to our knowledge; In silico analysis, which includes protein predictors and evolutionary conservation, supports a deleterious effect; Not observed in large population cohorts (Lek et al., 2016); In-frame deletion of 1 amino acid in a non-repeat region